The following is an entry in ClinVar:

NM_000310.4(PPT1):c.713C>T (p.Pro238Leu)

Gene: PPT1 (palmitoyl-protein thioesterase 1; minus strand). Cytogenetic location: 1p34.2.
Variant type: single nucleotide variant.
Coding change: c.713C>T on transcript NM_000310.4 (MANE Select); coding-DNA position 713, C replaced by T.
Protein change: p.Pro238Leu; replaces proline 238 with leucine.
Molecular consequence: missense variant.
Genome position (GRCh38, 1-based): chr1:40,078,573, G>A on the plus strand (C>T on the coding strand, the complement: PPT1 is on the minus strand). VCF-style: chr1-40078573-G-A. GRCh37 (hg19) VCF-style: chr1-40544245-G-A.
Other names: c.404C>T, p.Pro135Leu (NM_001142604.2); c.713C>T, p.Pro238Leu (NM_001363695.2); short protein forms P238L, P135L.
Identifiers: ClinVar variation 236407 (VCV000236407.20), dbSNP rs878853322, ClinGen allele CA10581621.
Genomic context (GRCh38, chr1:40,078,573, plus strand): 5'-TTTAATGCCATTTACTCTCCTGGCATGTGGCCTAAGTAGTGTCTCACCTCCGAATCTACA[G>A]GGTCCACAATGGAATCATTGAGGAATTTCACCATCACAAACTTCTTCAGGGCCATCAGGT-3'
Protein context (NP_000301.1, residues 228-248): VKFLNDSIVD[Pro238Leu]VDSEWFGFYR

ClinVar aggregate classification (germline): Pathogenic/Likely pathogenic. Review status: criteria provided, multiple submitters, no conflicts (2 of 4 stars). 9 submissions from 9 submitters: Pathogenic (2); Likely pathogenic (6). 1 of the submissions does not count toward it. Last evaluated 2025-06-23.

Conditions:
Neurodevelopmental disorder with dysmorphic facies and distal limb anomalies. Identifiers: Orphanet 686482, MedGen C4540327, MONDO:0060596, OMIM 617755.
Neuronal ceroid lipofuscinosis 1 (CLN1). Also called: CEROID LIPOFUSCINOSIS, NEURONAL, 1, VARIABLE AGE AT ONSET; PPT1-Related Neuronal Ceroid-Lipofuscinosis. Identifiers: Orphanet 228329, MedGen C1850451, MONDO:0009744, OMIM 256730.

Allele frequency attached by ClinVar (database versions not stated): gnomAD exomes below 0.00001.

Submissions (9):

Myriad Genetics, Inc.
Classification: Likely pathogenic for Neuronal ceroid lipofuscinosis 1. Last evaluated: 2025-06-23. Review status: criteria provided, single submitter. Criteria: Myriad Autosomal Dominant, Autosomal Recessive and X-Linked Classification Criteria (2023). Collection method: clinical testing. Allele origin: unknown.
Comment: NM_000310.3(PPT1):c.713C>T(P238L) is a missense variant classified as likely pathogenic in the context of neuronal ceroid lipofuscinosis, PPT1-related. P238L has been observed in cases with relevant disease (PMID: 30541466, Zhang_2020_(Article)). Relevant functional assessments of this variant are not available in the literature. P238L has not been observed in referenced population frequency databases. In summary, NM_000310.3(PPT1):c.713C>T(P238L) is a missense variant that has been observed more frequently in cases with the relevant disease than in healthy populations. Please note: this variant was assessed in the context of healthy population screening.

Natera, Inc.
Classification: Likely pathogenic for Neuronal ceroid lipofuscinosis 1. Last evaluated: 2025-06-17. Review status: criteria provided, single submitter. Criteria: Natera Variant Classification Schema (03/2026). Collection method: clinical testing. Allele origin: germline.
Comment: The c.713C>T variant in PPT1 is a missense variant predicted to cause substitution of proline to leucine at amino acid 238. This variant is rare in the general population with a frequency below the threshold expected for the associated phenotype(s). This variant has been observed in one or more individuals affected with the associated recessive disease, as either homozygous or compound heterozygous with a second variant (PMID: 30541466). This variant has been identified in one or more affected individual with a phenotype highly consistent with the associated gene (PMID: 30541466). Computational prediction algorithms indicate this variant is likely to affect gene or protein function. Given the available evidence, this variant is classified as Likely Pathogenic.

Labcorp Genetics (formerly Invitae), Labcorp
Classification: Pathogenic for Neuronal ceroid lipofuscinosis 1. Last evaluated: 2024-10-30. Review status: criteria provided, single submitter. Criteria: Invitae Variant Classification Sherloc (09022015). Collection method: clinical testing. Allele origin: germline.
Comment: This sequence change replaces proline, which is neutral and non-polar, with leucine, which is neutral and non-polar, at codon 238 of the PPT1 protein (p.Pro238Leu). This variant is not present in population databases (gnomAD no frequency). This missense change has been observed in individual(s) with Batten disease (PMID: 30541466). ClinVar contains an entry for this variant (Variation ID: 236407). Invitae Evidence Modeling of protein sequence and biophysical properties (such as structural, functional, and spatial information, amino acid conservation, physicochemical variation, residue mobility, and thermodynamic stability) indicates that this missense variant is expected to disrupt PPT1 protein function with a positive predictive value of 95%. For these reasons, this variant has been classified as Pathogenic.

Victorian Clinical Genetics Services, Murdoch Childrens Research Institute
Classification: Pathogenic for Neurodevelopmental disorder with dysmorphic facies and distal limb anomalies. Last evaluated: 2024-09-22. Review status: criteria provided, single submitter. Criteria: ACMG Guidelines, 2015. Collection method: clinical testing. Allele origin: germline. Inheritance: Autosomal dominant inheritance. Affected: yes.
Comment: Based on the classification scheme VCGS_Germline_v1.3.4, this variant is classified as Pathogenic. Following criteria are met: 0102 - Loss of function is a known mechanism of disease in this gene and is associated with neuronal ceroid lipofuscinosis 1 (MIM#256730). (I) 0106 - This gene is associated with autosomal recessive disease. (I) 0200 - Variant is predicted to result in a missense amino acid change from proline to leucine. (I) 0252 - This variant is homozygous. (I) 0301 - Variant is absent from gnomAD (both v2 and v3). (SP) 0501 - Missense variant consistently predicted to be damaging by multiple in silico tools or highly conserved with a major amino acid change. (SP) 0600 - Variant is located in the annotated palmitoyl protein thioesterase domain (DECIPHER). (I) 0705 - No comparable missense variants have previous evidence for pathogenicity. (I) 0801 - This variant has strong previous evidence of pathogenicity in unrelated individuals. This variant has been classified as pathogenic and likely pathogenic by clinical laboratories in ClinVar, and has been observed as homozygous in multiple individuals with neuronal ceroid lipofuscinosis or related features (PMIDs: 30541466, 34849271, 31069529). (SP) 0905 - No published segregation evidence has been identified for this variant. (I) 1001 - This variant has strong functional evidence supporting abnormal protein function. Individuals homozygous for this variant were shown to have minimal palmitoyl protein thioesterase activity (PMID: 30541466). (SP) 1101 - Very strong and specific phenotype match for this individual. (I) Legend: (SP) - Supporting pathogenic, (I) - Information, (SB) - Supporting benign

Baylor Genetics
Classification: Likely pathogenic for Neuronal ceroid lipofuscinosis 1. Last evaluated: 2023-05-16. Review status: criteria provided, single submitter. Criteria: ACMG Guidelines, 2015. Collection method: clinical testing. Allele origin: unknown.

Kasturba Medical College, Manipal, Kasturba Medical College, Manipal, Manipal Academy of Higher Education, Manipal, India
Classification: Likely pathogenic for Neuronal ceroid lipofuscinosis 1. Review status: criteria provided, single submitter. Criteria: ACMG Guidelines, 2015. Collection method: clinical testing. Allele origin: inherited. Inheritance: Autosomal recessive inheritance. Affected: yes.

Lifecell International Pvt. Ltd
Classification: Likely pathogenic for Neuronal ceroid lipofuscinosis 1. Review status: criteria provided, single submitter. Criteria: ACMG Guidelines, 2015. Collection method: clinical testing. Allele origin: germline. Inheritance: Autosomal recessive inheritance. Affected: yes. Observed: 1 homozygote.
Comment: A Homozygote Missense variant c.713C>T in Exon 7 of the PPT1 gene that results in the amino acid substitution p.Pro238Leu was identified. The observed variant is novel in gnomAD exomes and genomes. The severity of the impact of this variant on the protein is high, based on the effect of the protein and REVEL score . Rare Exome Variant Ensemble Learner (REVEL) is an ensembl method for predicting the pathogenicity of missense variants based on a combination of scores from 13 individual tools: MutPred, FATHMM v2.3, VEST 3.0, PolyPhen-2, SIFT, PROVEAN, MutationAssessor, MutationTaster, LRT, GERP++, SiPhy, phyloP, and phastCons. The REVEL score for an individual missense variant can range from 0 to 1, with higher scores reflecting greater likelihood that the variant is disease-causing. ClinVar has also classified this variant as Pathogenic/LikelyPathogenic(Variant ID 236407). Based on the above evidence this variant has been classified as Likely Pathogenic according to the ACMG guidelines.

Suma Genomics
Classification: Likely pathogenic for Neuronal ceroid lipofuscinosis 1. Review status: criteria provided, single submitter. Criteria: ACMG Guidelines, 2015. Collection method: clinical testing. Allele origin: inherited. Inheritance: Autosomal recessive inheritance. Affected: yes.

Foundation for Research in Genetics and Endocrinology, FRIGE's Institute of Human Genetics
Classification: Likely pathogenic for Neuronal ceroid lipofuscinosis 1. Last evaluated: 2015-11-27. Review status: no assertion criteria provided. Collection method: research. Allele origin: germline. Inheritance: Autosomal recessive inheritance. Affected: yes. Observed: 2 homozygotes. Clinical features observed: Seizures (HP:0001250), Cerebral atrophy (HP:0002059), Reduced visual acuity (HP:0007663). Not counted in ClinVar's aggregate classification.
Comment: Variant c.713C>T/p.P238L (ENST00000433473) found to be pathogenic by online software Mutation Taster, SIFT and Polyphen2

Literature cited by the submitters: PubMed 30541466 (cited by 3 submitters); PubMed 31069529 (cited by Victorian Clinical Genetics Services, Murdoch Childrens Research Institute); PubMed 34849271 (cited by Victorian Clinical Genetics Services, Murdoch Childrens Research Institute).